The following is an entry in ClinVar:

NM_182961.4(SYNE1):c.13120A>G (p.Ser4374Gly)

Gene: SYNE1 (spectrin repeat containing nuclear envelope protein 1; minus strand). Cytogenetic location: 6q25.2.
Variant type: single nucleotide variant.
Coding change: c.13120A>G on transcript NM_182961.4 (MANE Select); coding-DNA position 13120, A replaced by G.
Protein change: p.Ser4374Gly; replaces serine 4374 with glycine.
Molecular consequence: missense variant.
Genome position (GRCh38, 1-based): chr6:152,331,565, T>C on the plus strand (A>G on the coding strand, the complement: SYNE1 is on the minus strand). VCF-style: chr6-152331565-T-C. GRCh37 (hg19) VCF-style: chr6-152652700-T-C.
Other names: c.12907A>G, p.Ser4303Gly (NM_033071.5); short protein forms S4374G, S4303G.
Identifiers: ClinVar variation 2088320 (VCV002088320.4), dbSNP rs2485306230, ClinGen allele CA366102597.

ClinVar aggregate classification (germline): Uncertain significance (1 of 4 stars; one submission).

Conditions:
Emery-Dreifuss muscular dystrophy 4, autosomal dominant (EDMD4). Also called: EMERY-DREIFUSS MUSCULAR DYSTROPHY 4 WITH VARIABLE FEATURES. Identifiers: Orphanet 261, MedGen C2751807, MONDO:0013071, OMIM 612998.
Autosomal recessive ataxia, Beauce type. Also called: SYNE1 Deficiency; Spinocerebellar ataxia, autosomal recessive 8; ATAXIA, RECESSIVE, OF BEAUCE; SYNE1-Related Autosomal Recessive Cerebellar Ataxia. Identifiers: Orphanet 88644, MedGen C1853116, MONDO:0012549, OMIM 610743.

gnomAD v4.1: 1 of 1,614,174 alleles (0.000062%); no homozygotes.

Submission:

Labcorp Genetics (formerly Invitae), Labcorp
Classification: Uncertain significance for Emery-Dreifuss muscular dystrophy 4, autosomal dominant; Autosomal recessive ataxia, Beauce type. Last evaluated: 2022-01-20. Review status: criteria provided, single submitter. Criteria: Invitae Variant Classification Sherloc (09022015). Collection method: clinical testing. Allele origin: germline.
Comment: This sequence change replaces serine, which is neutral and polar, with glycine, which is neutral and non-polar, at codon 4303 of the SYNE1 protein (p.Ser4303Gly). This variant is not present in population databases (gnomAD no frequency). This variant has not been reported in the literature in individuals affected with SYNE1-related conditions. Algorithms developed to predict the effect of missense changes on protein structure and function (SIFT, PolyPhen-2, Align-GVGD) all suggest that this variant is likely to be disruptive. In summary, the available evidence is currently insufficient to determine the role of this variant in disease. Therefore, it has been classified as a Variant of Uncertain Significance.